The following is an entry in ClinVar:

ClinVar aggregate classification (germline): Likely pathogenic (1 of 4 stars; one submission).

Conditions:
BHLHE22-related disorder.

Submission:

Sherr lab, University of California San Francisco
Classification: Likely pathogenic for BHLHE22-related disorder. Last evaluated: 2026-03-30. Review status: criteria provided, single submitter. Criteria: Le et al. (medRxiv. 2024). Collection method: research. Allele origin: de novo. Inheritance: Autosomal dominant inheritance. Affected: yes. Observed: 1 variant allele, 1 heterozygote.
Comment: It is absent from population databases, arguing against a benign polymorphism. The affected residue lies within a highly conserved functional domain, suggesting that amino acid substitution is likely to impact protein function. Finally, the patient’s phenotype, including brain imagining features, is consistent with the disease spectrum observed in individuals with similar variants (p.Met255Arg). Together, these data support a likely pathogenic interpretation.

NM_152414.5(BHLHE22):c.751G>C (p.Glu251Gln)

Genes: BHLHE22 (basic helix-loop-helix family member e22; plus strand), BHLHE22-AS1 (BHLHE22 antisense RNA 1; minus strand). Cytogenetic location: 8q12.3.
Variant type: single nucleotide variant.
Coding change: c.751G>C on transcript NM_152414.5 (MANE Select); coding-DNA position 751, G replaced by C.
Protein change: p.Glu251Gln; replaces glutamic acid 251 with glutamine.
Molecular consequence: missense variant.
Genome position (GRCh38, 1-based): chr8:64,581,541, G>C. VCF-style: chr8-64581541-G-C. GRCh37 (hg19) VCF-style: chr8-65494098-G-C.
Other names: short protein forms E251Q.
Identifiers: ClinVar variation 4820273 (VCV004820273.1).